The following is an entry in ClinVar:

ClinVar aggregate classification (germline): Likely benign. Review status: criteria provided, multiple submitters, no conflicts (2 of 4 stars). 3 submissions from 3 submitters: Likely benign (3). Last evaluated 2025-12-03.

Allele frequency attached by ClinVar (database versions not stated): TOPMed below 0.00001; gnomAD 0.00002; gnomAD exomes 0.00005 and 0.00010; ExAC 0.00053.
gnomAD v4.1: 67 of 1,559,102 alleles (0.0043%); highest among the groups gnomAD compares: South Asian, 0.071%; no homozygotes.

Submissions (3):

Labcorp Genetics (formerly Invitae), Labcorp
Classification: Likely benign. Last evaluated: 2025-12-03. Review status: criteria provided, single submitter. Criteria: Invitae Variant Classification Sherloc (09022015). Collection method: clinical testing. Allele origin: germline.

Blueprint Genetics
Classification: Likely benign. Last evaluated: 2024-06-25. Review status: criteria provided, single submitter. Criteria: ACMG Guidelines, 2015. Collection method: clinical testing. Allele origin: germline.

CeGaT Center for Human Genetics Tuebingen
Classification: Likely benign. Last evaluated: 2023-02-01. Review status: criteria provided, single submitter. Criteria: CeGaT Center For Human Genetics Tuebingen Variant Classification Criteria Version 2. Collection method: clinical testing. Allele origin: germline. Affected: yes. Observed: 1 variant allele.
Comment: FCHO1: BP4, BP7

NM_015122.3(FCHO1):c.1578C>A (p.Pro526=)

Gene: FCHO1 (FCH and mu domain containing endocytic adaptor 1; plus strand). Cytogenetic location: 19p13.11.
Variant type: single nucleotide variant.
Coding change: c.1578C>A on transcript NM_015122.3 (MANE Select); coding-DNA position 1578, C replaced by A.
Protein change: p.Pro526=; no amino-acid change (proline 526 retained).
Molecular consequence: synonymous variant. On other transcripts: non-coding transcript variant (14), intron variant (11).
Genome position (GRCh38, 1-based): chr19:17,778,835, C>A. VCF-style: chr19-17778835-C-A. GRCh37 (hg19) VCF-style: chr19-17889644-C-A.
Other names: c.1539C>A, p.Pro513= (NM_001384388.1, NM_001384389.1, NM_001384405.1); c.1503C>A, p.Pro501= (NM_001384390.1); c.1578C>A, p.Pro526= (NM_001384391.1, NM_001161357.2, NM_001161358.2 and 13 more transcripts); c.1461C>A, p.Pro487= (NM_001384392.1, NM_001384393.1, NM_001384394.1 and 1 more transcripts); c.1351+607C>A (NM_001384396.1, NM_001384404.1, NM_001384398.1 and 5 more transcripts); c.1201+607C>A (NM_001384406.1); c.1058-2396C>A (NM_001384407.1); c.1306+607C>A (NM_001384403.1); and 1 more.
Identifiers: ClinVar variation 1662861 (VCV001662861.32), dbSNP rs765896127, ClinGen allele CA9300540.